The following is an entry in ClinVar:

NM_001128922.2(LRRC32):c.1728C>T (p.Cys576=)

Genes: LRRC32 (leucine rich repeat containing 32; minus strand), LRRC32-AS1 (LRRC32 antisense RNA 1; plus strand). Cytogenetic location: 11q13.5.
Variant type: single nucleotide variant.
Coding change: c.1728C>T on transcript NM_001128922.2 (MANE Select); coding-DNA position 1728, C replaced by T.
Protein change: p.Cys576=; no amino-acid change (cysteine 576 retained).
Molecular consequence: synonymous variant. On other transcripts: non-coding transcript variant (1), intron variant (1).
Genome position (GRCh38, 1-based): chr11:76,659,865, G>A on the plus strand (C>T on the coding strand, the complement: LRRC32 is on the minus strand). VCF-style: chr11-76659865-G-A. GRCh37 (hg19) VCF-style: chr11-76370909-G-A.
Other names: c.1728C>T, p.Cys576= (NM_001370187.1, NM_001370188.1, NM_005512.3); c.1662C>T, p.Cys554= (NM_001370189.1); c.1398C>T, p.Cys466= (NM_001370190.1); c.85-1831C>T (NM_001370191.1).
Identifiers: ClinVar variation 1694642 (VCV001694642.31), dbSNP rs202216778, ClinGen allele CA6194551.

ClinVar aggregate classification (germline): Likely benign (1 of 4 stars; one submission).

Allele frequency attached by ClinVar (database versions not stated): TOPMed 0.00002; gnomAD 0.00003 and 0.00009; gnomAD exomes 0.00015 and 0.00027; 1000 Genomes Project 30x 0.00016; 1000 Genomes Project 0.00020; ExAC 0.00023.

Submission:

CeGaT Center for Human Genetics Tuebingen
Classification: Likely benign. Last evaluated: 2023-04-01. Review status: criteria provided, single submitter. Criteria: CeGaT Center For Human Genetics Tuebingen Variant Classification Criteria Version 2. Collection method: clinical testing. Allele origin: germline. Affected: yes. Observed: 2 variant alleles.
Comment: LRRC32: BP4, BP7